The following is an entry in ClinVar:

ClinVar aggregate classification (germline): Uncertain significance (1 of 4 stars; one submission).

Submission:

GeneDx
Classification: Uncertain significance. Last evaluated: 2022-12-06. Review status: criteria provided, single submitter. Criteria: GeneDx Variant Classification Process June 2021. Collection method: clinical testing. Allele origin: germline. Affected: yes.
Comment: Nonsense variant predicted to result in protein truncation as the last 152 amino acids are lost, although loss-of-function variants have not been reported downstream of this position in the protein; Not observed at significant frequency in large population cohorts (gnomAD); Has not been previously published as pathogenic or benign to our knowledge

NM_000264.5(PTCH1):c.3886G>T (p.Gly1296Ter)

Gene: PTCH1 (patched 1; minus strand). Cytogenetic location: 9q22.32.
Variant type: single nucleotide variant.
Coding change: c.3886G>T on transcript NM_000264.5 (MANE Select); coding-DNA position 3886, G replaced by T.
Protein change: p.Gly1296Ter; replaces glycine 1296 with a stop codon.
Molecular consequence: nonsense. On other transcripts: non-coding transcript variant (1).
Genome position (GRCh38, 1-based): chr9:95,447,370, C>A on the plus strand (G>T on the coding strand, the complement: PTCH1 is on the minus strand). VCF-style: chr9-95447370-C-A. GRCh37 (hg19) VCF-style: chr9-98209652-C-A.
Other names: c.3688G>T, p.Gly1230Ter (NM_001083602.3); c.3883G>T, p.Gly1295Ter (NM_001083603.3); c.3433G>T, p.Gly1145Ter (NM_001083604.3, NM_001083605.3, NM_001083606.3 and 1 more transcripts); c.3730G>T, p.Gly1244Ter (NM_001354918.2); short protein forms G1145*, G1230*, G1244*, G1295*, G1296*.
Identifiers: ClinVar variation 2505019 (VCV002505019.1), dbSNP rs372828014, ClinGen allele CA374110724.